The following is an entry in ClinVar:

ClinVar aggregate classification (germline): Conflicting classifications of pathogenicity. Review status: criteria provided, conflicting classifications (1 of 4 stars). 4 submissions from 4 submitters: Uncertain significance (3); Likely benign (1). Last evaluated 2026-01-18.

Conditions:
Fumarase deficiency (FMRD). Also called: Fumaric aciduria; Fumarate Hydratase Deficiency. Identifiers: Orphanet 24, MedGen C0342770, MONDO:0011730, OMIM 606812.
Hereditary cancer-predisposing syndrome. Also called: Neoplastic Syndromes, Hereditary; Hereditary neoplastic syndrome; Tumor predisposition; Hereditary Cancer Syndrome. Identifiers: Orphanet 140162, MedGen C0027672, MeSH D009386, MONDO:0015356.

Allele frequency attached by ClinVar (database versions not stated): gnomAD exomes below 0.00001; gnomAD 0.00001; TOPMed 0.00001.
gnomAD v4.1: 4 of 1,543,166 alleles (0.00026%); highest among the groups gnomAD compares: African/African-American, 0.0014%; no homozygotes.

Submissions (4):

Labcorp Genetics (formerly Invitae), Labcorp
Classification: Uncertain significance. Last evaluated: 2026-01-18. Review status: criteria provided, single submitter. Criteria: Invitae Variant Classification Sherloc (09022015). Collection method: clinical testing. Allele origin: germline.
Comment: This sequence change replaces tyrosine, which is neutral and polar, with cysteine, which is neutral and slightly polar, at codon 2 of the FH protein (p.Tyr2Cys). This variant is not present in population databases (gnomAD no frequency). This variant has not been reported in the literature in individuals affected with FH-related conditions. ClinVar contains an entry for this variant (Variation ID: 529803). Invitae Evidence Modeling of protein sequence and biophysical properties (such as structural, functional, and spatial information, amino acid conservation, physicochemical variation, residue mobility, and thermodynamic stability) indicates that this missense variant is not expected to disrupt FH protein function with a negative predictive value of 95%. In summary, the available evidence is currently insufficient to determine the role of this variant in disease. Therefore, it has been classified as a Variant of Uncertain Significance.

GeneDx
Classification: Uncertain significance. Last evaluated: 2025-06-10. Review status: criteria provided, single submitter. Criteria: GeneDx Variant Classification Process June 2021. Collection method: clinical testing. Allele origin: germline. Affected: yes.
Comment: Not observed at significant frequency in large population cohorts (gnomAD); In silico analysis supports that this missense variant does not alter protein structure/function; Has not been previously published as pathogenic or benign to our knowledge

Baylor Genetics
Classification: Uncertain significance for Fumarase deficiency. Last evaluated: 2023-10-03. Review status: criteria provided, single submitter. Criteria: ACMG Guidelines, 2015. Collection method: clinical testing. Allele origin: unknown.

Ambry Genetics
Classification: Likely benign for Hereditary cancer-predisposing syndrome. Last evaluated: 2022-07-11. Review status: criteria provided, single submitter. Criteria: Ambry Variant Classification Scheme 2023. Collection method: clinical testing. Allele origin: germline.

NM_000143.4(FH):c.5A>G (p.Tyr2Cys)

Gene: FH (fumarate hydratase; minus strand). Cytogenetic location: 1q43.
Variant type: single nucleotide variant.
Coding change: c.5A>G on transcript NM_000143.4 (MANE Select); coding-DNA position 5, A replaced by G.
Protein change: p.Tyr2Cys; replaces tyrosine 2 with cysteine.
Molecular consequence: missense variant.
Genome position (GRCh38, 1-based): chr1:241,519,718, T>C on the plus strand (A>G on the coding strand, the complement: FH is on the minus strand). VCF-style: chr1-241519718-T-C. GRCh37 (hg19) VCF-style: chr1-241683018-T-C.
Other names: short protein forms Y2C.
Identifiers: ClinVar variation 529803 (VCV000529803.12), dbSNP rs1553342167, ClinGen allele CA345443111.